The following is an entry in ClinVar:

ClinVar aggregate classification (germline): Uncertain significance (1 of 4 stars; one submission).

Conditions:
Inborn genetic diseases. Identifiers: MedGen C0950123, MeSH D030342.

Submission:

Ambry Genetics
Classification: Uncertain significance for Inborn genetic diseases. Last evaluated: 2025-11-25. Review status: criteria provided, single submitter. Criteria: Ambry Variant Classification Scheme 2023. Collection method: clinical testing. Allele origin: germline.
Comment: The p.K613R variant (also known as c.1838A>G), located in coding exon 18 of the ANKRD26 gene, results from an A to G substitution at nucleotide position 1838. The lysine at codon 613 is replaced by arginine, an amino acid with highly similar properties. This amino acid position is conserved. In addition, this alteration is predicted to be tolerated by in silico analysis. Based on the available evidence, the clinical significance of this variant remains unclear.

NM_014915.3(ANKRD26):c.1838A>G (p.Lys613Arg)

Gene: ANKRD26 (ankyrin repeat domain 26; minus strand). Cytogenetic location: 10p12.1.
Variant type: single nucleotide variant.
Coding change: c.1838A>G on transcript NM_014915.3 (MANE Select); coding-DNA position 1838, A replaced by G.
Protein change: p.Lys613Arg; replaces lysine 613 with arginine.
Molecular consequence: missense variant.
Genome position (GRCh38, 1-based): chr10:27,046,500, T>C on the plus strand (A>G on the coding strand, the complement: ANKRD26 is on the minus strand). VCF-style: chr10-27046500-T-C. GRCh37 (hg19) VCF-style: chr10-27335429-T-C.
Other names: c.1835A>G, p.Lys612Arg (NM_001256053.2); short protein forms K613R, K612R.
Identifiers: ClinVar variation 4580164 (VCV004580164.1).
Genomic context (GRCh38, chr10:27,046,500, plus strand): 5'-ACTGGTGAATTCACAGATTCTTTCGAGGTCCGTTTTTCTTTTTCAGTGCTCTTTACTTCC[T>C]TCATTTGCAAGGCAGGACCACTACTTTAAAAAATCCATGGGAAATGACAGTTACATAAGA-3'
Protein context (NP_055730.2, residues 603-623): YASSGPALQM[Lys613Arg]EVKSTEKEKR